The following is an entry in ClinVar:

ClinVar aggregate classification (germline): Likely pathogenic. Review status: criteria provided, single submitter (1 of 4 stars). 3 submissions from 3 submitters: Likely pathogenic (1). 2 of the submissions do not count toward it. Last evaluated 2023-11-07.

Conditions:
Short-rib thoracic dysplasia 6 with or without polydactyly (SRTD6). Also called: POLYDACTYLY WITH NEONATAL CHONDRODYSTROPHY, TYPE II; SHORT-RIB THORACIC DYSPLASIA 6 WITHOUT POLYDACTYLY; SHORT-RIB THORACIC DYSPLASIA 6 WITH POLYDACTYLY; SHORT RIB-POLYDACTYLY SYNDROME, TYPE IIA; Majewski Syndrome. Identifiers: MedGen C0024507, MONDO:0009894, OMIM 263520.

Submissions (3):

GeneDx
Classification: Likely pathogenic. Last evaluated: 2023-11-07. Review status: criteria provided, single submitter. Criteria: GeneDx Variant Classification Process June 2021. Collection method: clinical testing. Allele origin: germline. Affected: yes.
Comment: Frameshift variant predicted to result in protein truncation or nonsense mediated decay in a gene for which loss of function is a known mechanism of disease; Not observed at significant frequency in large population cohorts (gnomAD); Reported heterozygous using alternate nomenclature as c.1992del, p.(V665Cfs*34) with no second variant detected in two families with short-rib polydactyly syndrome (PMID: 29068549); This variant is associated with the following publications: (PMID: 32462798, 35910219, 29068549)

Dan Cohn Lab, University Of California Los Angeles
Classification: Likely pathogenic for Short-rib thoracic dysplasia 6 with or without polydactyly. Last evaluated: 2017-06-01. Review status: no assertion criteria provided. Collection method: research. Allele origin: maternal. Affected: yes. Not counted in ClinVar's aggregate classification.

University of Washington Center for Mendelian Genomics, University of Washington
Classification: Likely pathogenic for short-rib polydactyly syndrome type II. Review status: no assertion criteria provided. Collection method: research. Allele origin: inherited. Affected: yes. Not counted in ClinVar's aggregate classification.

Literature cited by the submitters: PubMed 29068549 (cited by Dan Cohn Lab, University Of California Los Angeles and University of Washington Center for Mendelian Genomics, University of Washington).

NM_001199397.3(NEK1):c.1992del (p.Val665fs)

Gene: NEK1 (NIMA related kinase 1; minus strand). Cytogenetic location: 4q33.
Variant type: Deletion.
Coding change: c.1992del on transcript NM_001199397.3 (MANE Select); coding-DNA position 1992, one base deleted (A; older notation c.1992delA).
Protein change: p.Val665fs; shifts the reading frame from valine 665.
Molecular consequence: frameshift variant. On other transcripts: non-coding transcript variant (1), intron variant (1).
Genome position (GRCh38, 1-based): chr4:169,507,052, T deleted on the plus strand (A on the coding strand, the reverse complement: NEK1 is on the minus strand); the first of 8 consecutive T bases (chr4:169,507,052-169,507,059); deleting any one gives the same sequence. VCF-style (leftmost placement, unchanged base first): chr4-169507051-CT-C. GRCh37 (hg19) VCF-style: chr4-170428202-CT-C.
Other names: c.1860del, p.Val621fs (NM_001199398.3); c.1701del, p.Val568fs (NM_001199399.3); c.1776del, p.Val593fs (NM_001199400.3); c.1992del, p.Val665fs (NM_001374418.1); c.1908del, p.Val637fs (NM_001374419.1, NM_012224.4); c.1857del, p.Val620fs (NM_001374420.1); c.1701+663del (NM_001374421.1); c.1908del (NM_012224.2); short protein forms V593fs, V665fs, V568fs, V637fs, V621fs, V620fs.
Identifiers: ClinVar variation 446686 (VCV000446686.3), dbSNP rs775849720, ClinGen allele CA3137553.
Genomic context (GRCh38, chr4:169,507,051, plus strand): 5'-AAAAATGTTAATACAACCAGGATTAAGAATATGAGCTAAATCTTACATGCTCTTCCCACA[CT>C]TTTTTTTCTCTCTCATAAGCCTCCTTTCTCTTTCGTTCTAGTTGTTCTTTTAGTACAGCA-3'